The following is an entry in ClinVar:

ClinVar aggregate classification (germline): Likely pathogenic (1 of 4 stars; one submission).

Submission:

Labcorp Genetics (formerly Invitae), Labcorp
Classification: Likely pathogenic. Last evaluated: 2024-11-16. Review status: criteria provided, single submitter. Criteria: Invitae Variant Classification Sherloc (09022015). Collection method: clinical testing. Allele origin: germline.
Comment: This sequence change affects a donor splice site in intron 19 of the DOCK6 gene. It is expected to disrupt RNA splicing. Variants that disrupt the donor or acceptor splice site typically lead to a loss of protein function (PMID: 16199547), and loss-of-function variants in DOCK6 are known to be pathogenic (PMID: 21820096, 25824905). This variant is not present in population databases (gnomAD no frequency). This variant has not been reported in the literature in individuals affected with DOCK6-related conditions. Algorithms developed to predict the effect of sequence changes on RNA splicing suggest that this variant may disrupt the consensus splice site. In summary, the currently available evidence indicates that the variant is pathogenic, but additional data are needed to prove that conclusively. Therefore, this variant has been classified as Likely Pathogenic.

Literature cited by the submitters: PubMed 16199547; PubMed 21820096; PubMed 25824905.

NM_020812.4(DOCK6):c.2160+1G>A

Gene: DOCK6 (dedicator of cytokinesis 6; minus strand). Cytogenetic location: 19p13.2.
Variant type: single nucleotide variant.
Coding change: c.2160+1G>A on transcript NM_020812.4 (MANE Select); the canonical splice donor site of the intron after coding-DNA position 2160, G replaced by A.
Molecular consequence: splice donor variant.
Genome position (GRCh38, 1-based): chr19:11,236,792, C>T on the plus strand (G>A on the coding strand, the complement: DOCK6 is on the minus strand). VCF-style: chr19-11236792-C-T. GRCh37 (hg19) VCF-style: chr19-11347468-C-T.
Other names: c.2160+1G>A (NM_001367830.1).
Identifiers: ClinVar variation 3725107 (VCV003725107.2).